The following is an entry in ClinVar:

NM_007194.4(CHEK2):c.846+2T>A

Gene: CHEK2 (checkpoint kinase 2; minus strand). Cytogenetic location: 22q12.1.
Variant type: single nucleotide variant.
Coding change: c.846+2T>A on transcript NM_007194.4 (MANE Select); the canonical splice donor site of the intron after coding-DNA position 846, T replaced by A.
Molecular consequence: splice donor variant.
Genome position (GRCh38, 1-based): chr22:28,710,004, A>T on the plus strand (T>A on the coding strand, the complement: CHEK2 is on the minus strand). VCF-style: chr22-28710004-A-T. GRCh37 (hg19) VCF-style: chr22-29105992-A-T.
Other names: c.183+2T>A (NM_001437942.1, NM_001257387.3); c.645+2T>A (NM_001349956.3); c.846+2T>A (NM_145862.3); c.939+2T>A (NM_001438295.1, NM_001438293.1); c.975+2T>A (NM_001438294.1, NM_001005735.3).
Identifiers: ClinVar variation 1692953 (VCV001692953.8), dbSNP rs1601777275, ClinGen allele CA411102253.

ClinVar aggregate classification (germline): Likely pathogenic. Review status: criteria provided, multiple submitters, no conflicts (2 of 4 stars). 3 submissions from 3 submitters: Likely pathogenic (3). Last evaluated 2023-05-24.

Conditions:
Familial cancer of breast. Also called: hereditary breast carcinoma; Hereditary breast cancer; BREAST CANCER, FAMILIAL. Identifiers: Orphanet 227535, MedGen C0346153, MONDO:0016419, OMIM 114480. Disease mechanism: loss of function.
Hereditary cancer-predisposing syndrome. Also called: Hereditary neoplastic syndrome; Tumor predisposition; Neoplastic Syndromes, Hereditary; Hereditary Cancer Syndrome. Identifiers: Orphanet 140162, MedGen C0027672, MeSH D009386, MONDO:0015356.

Submissions (3):

Myriad Genetics, Inc.
Classification: Likely pathogenic for Familial cancer of breast. Last evaluated: 2023-05-24. Review status: criteria provided, single submitter. Criteria: Myriad Autosomal Dominant, Autosomal Recessive and X-Linked Classification Criteria (2023). Collection method: clinical testing. Allele origin: unknown.
Comment: This variant is considered likely pathogenic. This variant occurs within a consensus splice junction and is predicted to result in abnormal mRNA splicing of either an out-of-frame exon or an in-frame exon necessary for protein stability and/or normal function.

Labcorp Genetics (formerly Invitae), Labcorp
Classification: Likely pathogenic for Familial cancer of breast. Last evaluated: 2022-12-16. Review status: criteria provided, single submitter. Criteria: Invitae Variant Classification Sherloc (09022015). Collection method: clinical testing. Allele origin: germline.
Comment: In summary, the currently available evidence indicates that the variant is pathogenic, but additional data are needed to prove that conclusively. Therefore, this variant has been classified as Likely Pathogenic. Studies have shown that disruption of this splice site is associated with altered splicing resulting in multiple RNA products (Invitae). ClinVar contains an entry for this variant (Variation ID: 1692953). This variant has not been reported in the literature in individuals affected with CHEK2-related conditions. This variant is not present in population databases (gnomAD no frequency). This sequence change affects a donor splice site in intron 7 of the CHEK2 gene. It is expected to disrupt RNA splicing. Variants that disrupt the donor or acceptor splice site typically lead to a loss of protein function (PMID: 16199547), and loss-of-function variants in CHEK2 are known to be pathogenic (PMID: 21876083, 24713400).

Sema4
Classification: Likely pathogenic for Hereditary cancer-predisposing syndrome. Last evaluated: 2021-11-03. Review status: criteria provided, single submitter. Criteria: Sema4 Curation Guidelines. Collection method: curation. Allele origin: germline.
Comment: To the best of our knowledge, the CHEK2 c.846+2T>A variant has not been reported in individuals with CHEK2-related disease. This variant affects a nucleotide within a consensus splice site of an intron. This variant may cause exon skipping, intron retention or use of a cryptic splice site. Loss of function variants in CHEK2 are known to be pathogenic (PMID: 21876083). It was not observed in the large and broad cohorts of the Genome Aggregation Database. The variant has not been reported in ClinVar. Based on the current evidence available, this variant is interpreted as likely pathogenic.

Literature cited by the submitters: PubMed 16199547 (cited by Labcorp Genetics (formerly Invitae), Labcorp); PubMed 21876083 (cited by Labcorp Genetics (formerly Invitae), Labcorp and Sema4); PubMed 24713400 (cited by Labcorp Genetics (formerly Invitae), Labcorp).